The following is an entry in ClinVar:

NM_003327.4(TNFRSF4):c.526C>T (p.Pro176Ser)

Gene: TNFRSF4 (TNF receptor superfamily member 4; minus strand). Cytogenetic location: 1p36.33.
Variant type: single nucleotide variant.
Coding change: c.526C>T on transcript NM_003327.4 (MANE Select); coding-DNA position 526, C replaced by T.
Protein change: p.Pro176Ser; replaces proline 176 with serine.
Molecular consequence: missense variant.
Genome position (GRCh38, 1-based): chr1:1,212,050, G>A on the plus strand (C>T on the coding strand, the complement: TNFRSF4 is on the minus strand). VCF-style: chr1-1212050-G-A. GRCh37 (hg19) VCF-style: chr1-1147430-G-A.
Other names: c.526C>T (NM_003327.3); c.526C>T, p.Pro176Ser (NM_001410709.1); short protein forms P176S.
Identifiers: ClinVar variation 2747820 (VCV002747820.2), dbSNP rs146816735, ClinGen allele CA512427.

ClinVar aggregate classification (germline): Uncertain significance. Review status: criteria provided, multiple submitters, no conflicts (2 of 4 stars). 2 submissions from 2 submitters: Uncertain significance (2). Last evaluated 2025-12-04.

Conditions:
Combined immunodeficiency due to OX40 deficiency. Also called: OX40 DEFICIENCY; Immunodeficiency 16. Identifiers: Orphanet 431149, MedGen C3810053, MONDO:0014268, OMIM 615593.

Allele frequency attached by ClinVar (database versions not stated): gnomAD 0.00001; ExAC 0.00002; ESP Exome Variant Server 0.00008; gnomAD exomes below 0.00001; TOPMed 0.00002.

Submissions (2):

Ambry Genetics
Classification: Uncertain significance. Last evaluated: 2025-12-04. Review status: criteria provided, single submitter. Criteria: Ambry Variant Classification Scheme 2023. Collection method: clinical testing. Allele origin: germline.

Labcorp Genetics (formerly Invitae), Labcorp
Classification: Uncertain significance for Combined immunodeficiency due to OX40 deficiency. Last evaluated: 2024-01-16. Review status: criteria provided, single submitter. Criteria: Invitae Variant Classification Sherloc (09022015). Collection method: clinical testing. Allele origin: germline.
Comment: This sequence change replaces proline, which is neutral and non-polar, with serine, which is neutral and polar, at codon 176 of the TNFRSF4 protein (p.Pro176Ser). This variant is present in population databases (rs146816735, gnomAD 0.007%). This variant has not been reported in the literature in individuals affected with TNFRSF4-related conditions. Advanced modeling of protein sequence and biophysical properties (such as structural, functional, and spatial information, amino acid conservation, physicochemical variation, residue mobility, and thermodynamic stability) performed at Invitae indicates that this missense variant is not expected to disrupt TNFRSF4 protein function with a negative predictive value of 80%. In summary, the available evidence is currently insufficient to determine the role of this variant in disease. Therefore, it has been classified as a Variant of Uncertain Significance.